The following is an entry in ClinVar:

NM_198334.3(GANAB):c.848A>C (p.Asp283Ala)

Gene: GANAB (glucosidase II alpha subunit; minus strand). Cytogenetic location: 11q12.3.
Variant type: single nucleotide variant.
Coding change: c.848A>C on transcript NM_198334.3 (MANE Select); coding-DNA position 848, A replaced by C.
Protein change: p.Asp283Ala; replaces aspartic acid 283 with alanine.
Molecular consequence: missense variant.
Genome position (GRCh38, 1-based): chr11:62,632,713, T>G on the plus strand (A>C on the coding strand, the complement: GANAB is on the minus strand). VCF-style: chr11-62632713-T-G. GRCh37 (hg19) VCF-style: chr11-62400185-T-G.
Other names: c.572A>C, p.Asp191Ala (NM_001278192.2); c.506A>C, p.Asp169Ala (NM_001278193.2); c.557A>C, p.Asp186Ala (NM_001278194.2, NM_001329222.2, NM_001329223.2); c.125A>C, p.Asp42Ala (NM_001329224.2, NM_001329225.2); c.914A>C, p.Asp305Ala (NM_198335.4); short protein forms D169A, D186A, D191A, D283A, D305A, D42A.
Identifiers: ClinVar variation 3255154 (VCV003255154.3), dbSNP rs2496354535.
Genomic context (GRCh38, chr11:62,632,713, plus strand): 5'-AGGAGCACAGGCACAGACCCATACAAGGCCATTGGGTTGTACAGCTCATACTGGAACACA[T>G]CCAAATTGTAGAGGCGATATGGCTCCCCACCCCTGCAGGCAAACAGACAGACTTGGGCTG-3'
Protein context (NP_938148.1, residues 273-293): GGEPYRLYNL[Asp283Ala]VFQYELYNPM

ClinVar aggregate classification (germline): Uncertain significance (1 of 4 stars; one submission).

Conditions:
Polycystic kidney disease 3 with or without polycystic liver disease. Also called: Polycystic kidney disease 3; Polycystic Kidney and/or Polycystic Liver Disease 3; POLYCYSTIC KIDNEY DISEASE, ADULT, TYPE III. Identifiers: MedGen C3887964, MONDO:0010916, OMIM 600666.

Submission:

Victorian Clinical Genetics Services, Murdoch Childrens Research Institute
Classification: Uncertain significance for Polycystic kidney disease 3 with or without polycystic liver disease. Last evaluated: 2025-07-14. Review status: criteria provided, single submitter. Criteria: ACMG Guidelines, 2015. Collection method: clinical testing. Allele origin: germline. Affected: yes.
Comment: This variant is classified as VUS-3A. Evidence in support of pathogenic classification: Variant is absent from gnomAD (v2, v3 and v4); Missense variant predicted to be damaging by in silico tool(s) or highly conserved with a major amino acid change; Strong phenotype match for this individual. Additional information: Variant is predicted to result in a missense amino acid change from aspartic acid to alanine; This variant is heterozygous; This gene is associated with autosomal dominant disease; This variant has no previous evidence of pathogenicity; No published functional evidence has been identified for this variant; Another missense variant(s) comparable to the one identified in this case has inconclusive previous evidence for pathogenicity. An alternative change, p.(Asp283Asn), has been classified as a VUS by a clinical laboratory in ClinVar. - Variant is located in the annotated galactose mutarotase-like domain (DECIPHER); Loss of function is a known mechanism of disease in this gene and is associated with polycystic kidney disease 3 (MIM#600666).